The following is an entry in ClinVar:

ClinVar aggregate classification (germline): Likely benign. Review status: criteria provided, multiple submitters, no conflicts (2 of 4 stars). 2 submissions from 2 submitters: Likely benign (2). Last evaluated 2024-08-01.

gnomAD v4.1: 1 of 1,614,092 alleles (0.000062%); highest among the groups gnomAD compares: Non-Finnish European, 0.000085%; no homozygotes.

Submissions (2):

CeGaT Center for Human Genetics Tuebingen
Classification: Likely benign. Last evaluated: 2024-08-01. Review status: criteria provided, single submitter. Criteria: CeGaT Center For Human Genetics Tuebingen Variant Classification Criteria Version 2. Collection method: clinical testing. Allele origin: germline. Affected: yes. Observed: 1 variant allele.
Comment: ALG2: PM2:Supporting, BP4, BP7

Blueprint Genetics
Classification: Likely benign. Last evaluated: 2022-07-08. Review status: criteria provided, single submitter. Criteria: ACMG Guidelines, 2015. Collection method: clinical testing. Allele origin: germline.

NM_033087.4(ALG2):c.471C>T (p.Ala157=)

Gene: ALG2 (ALG2 alpha-1,3/1,6-mannosyltransferase; minus strand). Cytogenetic location: 9q22.33.
Variant type: single nucleotide variant.
Coding change: c.471C>T on transcript NM_033087.4 (MANE Select); coding-DNA position 471, C replaced by T.
Protein change: p.Ala157=; no amino-acid change (alanine 157 retained).
Molecular consequence: synonymous variant. On other transcripts: non-coding transcript variant (1).
Genome position (GRCh38, 1-based): chr9:99,218,714, G>A on the plus strand (C>T on the coding strand, the complement: ALG2 is on the minus strand). VCF-style: chr9-99218714-G-A. GRCh37 (hg19) VCF-style: chr9-101980996-G-A.
Identifiers: ClinVar variation 3342038 (VCV003342038.17).